The following is an entry in ClinVar:

ClinVar aggregate classification (germline): Uncertain significance (1 of 4 stars; one submission).

Submission:

GeneDx
Classification: Uncertain significance. Last evaluated: 2024-12-14. Review status: criteria provided, single submitter. Criteria: GeneDx Variant Classification Process June 2021. Collection method: clinical testing. Allele origin: germline. Affected: yes.
Comment: Not observed at significant frequency in large population cohorts (gnomAD); In silico analysis supports that this missense variant has a deleterious effect on protein structure/function; Has not been previously published as pathogenic or benign to our knowledge

NM_004369.4(COL6A3):c.1013G>T (p.Gly338Val)

Gene: COL6A3 (collagen type VI alpha 3 chain; minus strand). Cytogenetic location: 2q37.3.
Variant type: single nucleotide variant.
Coding change: c.1013G>T on transcript NM_004369.4 (MANE Select); coding-DNA position 1013, G replaced by T.
Protein change: p.Gly338Val; replaces glycine 338 with valine.
Molecular consequence: missense variant. On other transcripts: intron variant (2).
Genome position (GRCh38, 1-based): chr2:237,387,881, C>A on the plus strand (G>T on the coding strand, the complement: COL6A3 is on the minus strand). VCF-style: chr2-237387881-C-A. GRCh37 (hg19) VCF-style: chr2-238296524-C-A.
Other names: c.395G>T, p.Gly132Val (NM_057165.5, NM_057167.4); c.92-6382G>T (NM_057166.5, NM_057164.5); short protein forms G132V, G338V.
Identifiers: ClinVar variation 3903096 (VCV003903096.1).
Genomic context (GRCh38, chr2:237,387,881, plus strand): 5'-GAAGGCCCGGCACTTATGAGGACCAGCACCTGGGGAACCCCTTCCTCCACGCGGCTGCCC[C>A]CTGCCCGGGTGAAGTGGTTCTCCACCACGAAATCAAGGGCGAGGCCGATATTGGCCAACT-3'
Protein context (NP_004360.2, residues 328-348): FVVENHFTRA[Gly338Val]GSRVEEGVPQ